The following is an entry in ClinVar:

NC_000016.9:g.(?_8895646)_(8895777_?)del

Gene: PMM2 (phosphomannomutase 2; plus strand). Cytogenetic location: 16p13.2.
Variant type: Deletion.
Identifiers: ClinVar variation 1074658 (VCV001074658.2).

ClinVar aggregate classification (germline): Pathogenic (1 of 4 stars; one submission).

Conditions:
PMM2-congenital disorder of glycosylation. Also called: PHOSPHOMANNOMUTASE 2 DEFICIENCY; CARBOHYDRATE-DEFICIENT GLYCOPROTEIN SYNDROME, TYPE Ia; CDG Ia; JAEKEN SYNDROME; Congenital disorder of glycosylation, type Ia; PMM2-CDG. Identifiers: Orphanet 79318, MedGen C0349653, MONDO:0008907, OMIM 212065.

Submission:

Labcorp Genetics (formerly Invitae), Labcorp
Classification: Pathogenic for PMM2-congenital disorder of glycosylation. Last evaluated: 2022-02-27. Review status: criteria provided, single submitter. Criteria: Invitae Variant Classification Sherloc (09022015). Collection method: clinical testing. Allele origin: germline.
Comment: This variant is a gross deletion of the genomic region encompassing exon(s) 2 of the PMM2 gene. This deletion is out-of-frame, and is expected to create a premature termination codon and result in an absent or disrupted protein product. Loss-of-function variants in PMM2 are known to be pathogenic (PMID: 19862844). This variant has not been reported in the literature in individuals affected with PMM2-related conditions. For these reasons, this variant has been classified as Pathogenic.

Literature cited by the submitters: PubMed 19862844.